The following is an entry in ClinVar:

NM_000245.4(MET):c.3547G>A (p.Gly1183Ser)

Gene: MET (MET proto-oncogene, receptor tyrosine kinase; plus strand). Cytogenetic location: 7q31.2.
Variant type: single nucleotide variant.
Coding change: c.3547G>A on transcript NM_000245.4 (MANE Select); coding-DNA position 3547, G replaced by A.
Protein change: p.Gly1183Ser; replaces glycine 1183 with serine.
Molecular consequence: missense variant.
Genome position (GRCh38, 1-based): chr7:116,782,012, G>A. VCF-style: chr7-116782012-G-A. GRCh37 (hg19) VCF-style: chr7-116422066-G-A.
Other names: c.3601G>A, p.Gly1201Ser (NM_001127500.3); c.2257G>A, p.Gly753Ser (NM_001324402.2); short protein forms G753S, G1201S, G1183S.
Identifiers: ClinVar variation 2851110 (VCV002851110.3), dbSNP rs2117059592, ClinGen allele CA368990929.
Genomic context (GRCh38, chr7:116,782,012, plus strand): 5'-CTTAGTTTATGCTTTTCTAACTCTCTTTGACTGCAGAATCCAACTGTAAAAGATCTTATT[G>A]GCTTTGGTCTTCAAGTAGCCAAAGGCATGAAATATCTTGCAAGCAAAAAGTTTGTCCACA-3'
Protein context (NP_000236.2, residues 1173-1193): THNPTVKDLI[Gly1183Ser]FGLQVAKGMK

ClinVar aggregate classification (germline): Uncertain significance (1 of 4 stars; one submission).

Conditions:
Renal cell carcinoma. Identifiers: Orphanet 217071, MedGen C0007134, MeSH D002292, MONDO:0005086, HP:0005584.

Submission:

Labcorp Genetics (formerly Invitae), Labcorp
Classification: Uncertain significance for Renal cell carcinoma. Last evaluated: 2023-03-31. Review status: criteria provided, single submitter. Criteria: Invitae Variant Classification Sherloc (09022015). Collection method: clinical testing. Allele origin: germline.
Comment: In summary, the available evidence is currently insufficient to determine the role of this variant in disease. Therefore, it has been classified as a Variant of Uncertain Significance. Advanced modeling of protein sequence and biophysical properties (such as structural, functional, and spatial information, amino acid conservation, physicochemical variation, residue mobility, and thermodynamic stability) performed at Invitae indicates that this missense variant is not expected to disrupt MET protein function. This variant has not been reported in the literature in individuals affected with MET-related conditions. This variant is not present in population databases (gnomAD no frequency). This sequence change replaces glycine, which is neutral and non-polar, with serine, which is neutral and polar, at codon 1201 of the MET protein (p.Gly1201Ser).